The following is an entry in ClinVar:

ClinVar aggregate classification (germline): Uncertain significance (1 of 4 stars; one submission).

Conditions:
Accelerated tumor formation, susceptibility to (ACTFS). Identifiers: MedGen C3280690, OMIM 614401, MONDO:0013733.

Allele frequency attached by ClinVar (database versions not stated): gnomAD exomes below 0.00001; gnomAD 0.00001; TOPMed 0.00002.
gnomAD v4.1: 3 of 1,608,300 alleles (0.00019%); highest among the groups gnomAD compares: East Asian, 0.0022%; no homozygotes.

Submission:

Labcorp Genetics (formerly Invitae), Labcorp
Classification: Uncertain significance for Accelerated tumor formation, susceptibility to. Last evaluated: 2022-09-27. Review status: criteria provided, single submitter. Criteria: Invitae Variant Classification Sherloc (09022015). Collection method: clinical testing. Allele origin: germline.
Comment: In summary, the available evidence is currently insufficient to determine the role of this variant in disease. Therefore, it has been classified as a Variant of Uncertain Significance. Algorithms developed to predict the effect of missense changes on protein structure and function output the following: SIFT: "Tolerated"; PolyPhen-2: "Probably Damaging"; Align-GVGD: "Class C0". The glutamine amino acid residue is found in multiple mammalian species, which suggests that this missense change does not adversely affect protein function. ClinVar contains an entry for this variant (Variation ID: 1501438). This variant has not been reported in the literature in individuals affected with MDM2-related conditions. This variant is present in population databases (no rsID available, gnomAD 0.006%). This sequence change replaces arginine, which is basic and polar, with glutamine, which is neutral and polar, at codon 71 of the MDM2 protein (p.Arg71Gln).

NM_002392.6(MDM2):c.212G>A (p.Arg71Gln)

Gene: MDM2 (MDM2 proto-oncogene; plus strand). Cytogenetic location: 12q15.
Variant type: single nucleotide variant.
Coding change: c.212G>A on transcript NM_002392.6 (MANE Select); coding-DNA position 212, G replaced by A.
Protein change: p.Arg71Gln; replaces arginine 71 with glutamine.
Molecular consequence: missense variant. On other transcripts: intron variant (2).
Genome position (GRCh38, 1-based): chr12:68,816,849, G>A. VCF-style: chr12-68816849-G-A. GRCh37 (hg19) VCF-style: chr12-69210629-G-A.
Other names: c.194G>A, p.Arg65Gln (NM_001145337.3, NM_001367990.1); c.212G>A, p.Arg71Gln (NM_001145339.2); c.156+3221G>A (NM_001278462.2, NM_001145340.3); short protein forms R65Q, R71Q.
Identifiers: ClinVar variation 1501438 (VCV001501438.8), dbSNP rs1385829631, ClinGen allele CA385704109.